The following is an entry in ClinVar:

ClinVar aggregate classification (germline): Uncertain significance (1 of 4 stars; one submission).

Conditions:
Immunodeficiency, common variable, 10. Also called: DEFICIT IN ANTERIOR PITUITARY FUNCTION AND VARIABLE IMMUNODEFICIENCY; IMMUNODEFICIENCY, COMMON VARIABLE, WITH CENTRAL ADRENAL INSUFFICIENCY. Identifiers: MedGen C3809991, MONDO:0014260, OMIM 615577.

Allele frequency attached by ClinVar (database versions not stated): TOPMed below 0.00001; gnomAD 0.00001; gnomAD exomes 0.00001; ExAC 0.00002; ESP Exome Variant Server 0.00008.
gnomAD v4.1: 9 of 1,611,510 alleles (0.00056%); highest among the groups gnomAD compares: East Asian, 0.0045%; no homozygotes.

Submission:

Labcorp Genetics (formerly Invitae), Labcorp
Classification: Uncertain significance for Immunodeficiency, common variable, 10. Last evaluated: 2021-04-23. Review status: criteria provided, single submitter. Criteria: Invitae Variant Classification Sherloc (09022015). Collection method: clinical testing. Allele origin: germline.
Comment: In summary, the available evidence is currently insufficient to determine the role of this variant in disease. Therefore, it has been classified as a Variant of Uncertain Significance. Algorithms developed to predict the effect of missense changes on protein structure and function are either unavailable or do not agree on the potential impact of this missense change (SIFT: "Deleterious"; PolyPhen-2: "Probably Damaging"; Align-GVGD: "Class C0"). This sequence change replaces serine with cysteine at codon 711 of the NFKB2 protein (p.Ser711Cys). The serine residue is weakly conserved and there is a moderate physicochemical difference between serine and cysteine. This variant is present in population databases (rs368533449, ExAC 0.003%). This variant has not been reported in the literature in individuals with NFKB2-related conditions.

NM_001322934.2(NFKB2):c.2132C>G (p.Ser711Cys)

Gene: NFKB2 (nuclear factor kappa B subunit 2; plus strand). Cytogenetic location: 10q24.32.
Variant type: single nucleotide variant.
Coding change: c.2132C>G on transcript NM_001322934.2 (MANE Select); coding-DNA position 2132, C replaced by G.
Protein change: p.Ser711Cys; replaces serine 711 with cysteine.
Molecular consequence: missense variant.
Genome position (GRCh38, 1-based): chr10:102,401,240, C>G. VCF-style: chr10-102401240-C-G. GRCh37 (hg19) VCF-style: chr10-104160997-C-G.
Other names: c.2132C>G, p.Ser711Cys (NM_001077494.3, NM_001261403.3, NM_001288724.1 and 1 more transcripts); c.2006C>G, p.Ser669Cys (NM_001322935.1); short protein forms S669C, S711C.
Identifiers: ClinVar variation 1507027 (VCV001507027.8), dbSNP rs368533449, ClinGen allele CA5664999.
Genomic context (GRCh38, chr10:102,401,240, plus strand): 5'-GTGCTGACATCCATGCTGAAAACGAGGAGCCCCTGTGCCCACTGCCTTCACCCCCTACCT[C>G]TGATAGCGACTCGGACTCTGAAGGGCCTGAGAAGGACACCCGAAGCAGCTTCCGGGGCCA-3'
Protein context (NP_001309863.1, residues 701-721): PLCPLPSPPT[Ser711Cys]DSDSDSEGPE